The following is an entry in ClinVar:

ClinVar aggregate classification (germline): Uncertain significance (1 of 4 stars; one submission).

Allele frequency attached by ClinVar (database versions not stated): gnomAD exomes below 0.00001 and 0.00001; ExAC 0.00001; gnomAD 0.00001; TOPMed 0.00003; 1000 Genomes Project 30x 0.00021; 1000 Genomes Project 0.00026.

Submission:

Labcorp Genetics (formerly Invitae), Labcorp
Classification: Uncertain significance. Last evaluated: 2024-12-09. Review status: criteria provided, single submitter. Criteria: Invitae Variant Classification Sherloc (09022015). Collection method: clinical testing. Allele origin: germline.
Comment: This sequence change falls in intron 9 of the ATP6AP1 gene. It does not directly change the encoded amino acid sequence of the ATP6AP1 protein. It affects a nucleotide within the consensus splice site. This variant is present in population databases (rs781993994, gnomAD 0.008%), including at least one homozygous and/or hemizygous individual. This variant has not been reported in the literature in individuals affected with ATP6AP1-related conditions. ClinVar contains an entry for this variant (Variation ID: 1489551). Variants that disrupt the consensus splice site are a relatively common cause of aberrant splicing (PMID: 17576681, 9536098). Algorithms developed to predict the effect of sequence changes on RNA splicing suggest that this variant is not likely to affect RNA splicing. In summary, the available evidence is currently insufficient to determine the role of this variant in disease. Therefore, it has been classified as a Variant of Uncertain Significance.

Literature cited by the submitters: PubMed 17576681; PubMed 9536098.

NM_001183.6(ATP6AP1):c.1203+3A>T

Gene: ATP6AP1 (ATPase H+ transporting accessory protein 1; plus strand). Cytogenetic location: Xq28.
Variant type: single nucleotide variant.
Coding change: c.1203+3A>T on transcript NM_001183.6 (MANE Select); 3 bases into the intron after coding-DNA position 1203, A replaced by T.
Molecular consequence: intron variant.
Genome position (GRCh38, 1-based): chrX:154,435,508, A>T. VCF-style: chrX-154435508-A-T. GRCh37 (hg19) VCF-style: chrX-153663854-A-T.
Identifiers: ClinVar variation 1489551 (VCV001489551.6), dbSNP rs781993994, ClinGen allele CA10562778.